The following is an entry in ClinVar:

NM_001080449.3(DNA2):c.2173T>G (p.Ser725Ala)

Gene: DNA2 (DNA replication helicase/nuclease 2; minus strand). Cytogenetic location: 10q21.3.
Variant type: single nucleotide variant.
Coding change: c.2173T>G on transcript NM_001080449.3 (MANE Select); coding-DNA position 2173, T replaced by G.
Protein change: p.Ser725Ala; replaces serine 725 with alanine.
Molecular consequence: missense variant. On other transcripts: non-coding transcript variant (1).
Genome position (GRCh38, 1-based): chr10:68,430,471, A>C on the plus strand (T>G on the coding strand, the complement: DNA2 is on the minus strand). VCF-style: chr10-68430471-A-C. GRCh37 (hg19) VCF-style: chr10-70190228-A-C.
Other names: short protein forms S725A.
Identifiers: ClinVar variation 2879508 (VCV002879508.3), dbSNP rs2493923528, ClinGen allele CA376853666.

ClinVar aggregate classification (germline): Uncertain significance (1 of 4 stars; one submission).

Submission:

Labcorp Genetics (formerly Invitae), Labcorp
Classification: Uncertain significance. Last evaluated: 2023-02-27. Review status: criteria provided, single submitter. Criteria: Invitae Variant Classification Sherloc (09022015). Collection method: clinical testing. Allele origin: germline.
Comment: This sequence change replaces serine, which is neutral and polar, with alanine, which is neutral and non-polar, at codon 725 of the DNA2 protein (p.Ser725Ala). In summary, the available evidence is currently insufficient to determine the role of this variant in disease. Therefore, it has been classified as a Variant of Uncertain Significance. Advanced modeling of protein sequence and biophysical properties (such as structural, functional, and spatial information, amino acid conservation, physicochemical variation, residue mobility, and thermodynamic stability) performed at Invitae indicates that this missense variant is not expected to disrupt DNA2 protein function. This variant has not been reported in the literature in individuals affected with DNA2-related conditions. This variant is not present in population databases (gnomAD no frequency).